The following is an entry in ClinVar:

ClinVar aggregate classification (germline): Uncertain significance. Review status: criteria provided, multiple submitters, no conflicts (2 of 4 stars). 3 submissions from 3 submitters: Uncertain significance (3). Last evaluated 2026-01-27.

Conditions:
VCAN-related disorder. Also called: VCAN-related condition.
Inborn genetic diseases. Identifiers: MedGen C0950123, MeSH D030342.

Allele frequency attached by ClinVar (database versions not stated): TOPMed below 0.00001; gnomAD 0.00001; gnomAD exomes 0.00001.
gnomAD v4.1: 63 of 1,613,796 alleles (0.0039%); highest among the groups gnomAD compares: Non-Finnish European, 0.005%; no homozygotes.

Submissions (3):

Labcorp Genetics (formerly Invitae), Labcorp
Classification: Uncertain significance. Last evaluated: 2026-01-27. Review status: criteria provided, single submitter. Criteria: Invitae Variant Classification Sherloc (09022015). Collection method: clinical testing. Allele origin: germline.
Comment: This sequence change replaces proline, which is neutral and non-polar, with leucine, which is neutral and non-polar, at codon 1439 of the VCAN protein (p.Pro1439Leu). This variant is present in population databases (rs200045344, gnomAD 0.003%). This variant has not been reported in the literature in individuals affected with VCAN-related conditions. ClinVar contains an entry for this variant (Variation ID: 1019879). An algorithm developed to predict the effect of missense changes on protein structure and function (PolyPhen-2) suggests that this variant is likely to be disruptive. In summary, the available evidence is currently insufficient to determine the role of this variant in disease. Therefore, it has been classified as a Variant of Uncertain Significance.

PreventionGenetics, part of Exact Sciences
Classification: Uncertain significance for VCAN-related condition. Last evaluated: 2025-07-20. Review status: criteria provided, single submitter. Criteria: ACMG Guidelines, 2015. Collection method: clinical testing. Allele origin: germline.
Comment: The VCAN c.4316C>T variant is predicted to result in the amino acid substitution p.Pro1439Leu. To our knowledge, this variant has not been reported in the literature. This variant is reported in 0.0027% of alleles in individuals of European (Non-Finnish) descent in gnomAD. At this time, the clinical significance of this variant is uncertain due to the absence of conclusive functional and genetic evidence.

Ambry Genetics
Classification: Uncertain significance for Inborn genetic diseases. Last evaluated: 2025-03-07. Review status: criteria provided, single submitter. Criteria: Ambry Variant Classification Scheme 2023. Collection method: clinical testing. Allele origin: germline.

NM_004385.5(VCAN):c.4316C>T (p.Pro1439Leu)

Genes: VCAN (versican; plus strand), VCAN-AS1 (VCAN antisense RNA 1; minus strand). Cytogenetic location: 5q14.3.
Variant type: single nucleotide variant.
Coding change: c.4316C>T on transcript NM_004385.5 (MANE Select); coding-DNA position 4316, C replaced by T.
Protein change: p.Pro1439Leu; replaces proline 1439 with leucine.
Molecular consequence: missense variant. On other transcripts: intron variant (2).
Genome position (GRCh38, 1-based): chr5:83,537,319, C>T. VCF-style: chr5-83537319-C-T. GRCh37 (hg19) VCF-style: chr5-82833138-C-T.
Other names: c.4316C>T (NM_004385.4); c.1355C>T, p.Pro452Leu (NM_001164097.2); c.4004-8218C>T (NM_001164098.2); c.1043-8218C>T (NM_001126336.3); short protein forms P1439L, P452L.
Identifiers: ClinVar variation 1019879 (VCV001019879.10), dbSNP rs200045344, ClinGen allele CA121807611.